The following is an entry in ClinVar:

NM_058246.4(DNAJB6):c.377G>A (p.Arg126Gln)

Gene: DNAJB6 (DnaJ heat shock protein family (Hsp40) member B6; plus strand). Cytogenetic location: 7q36.3.
Variant type: single nucleotide variant.
Coding change: c.377G>A on transcript NM_058246.4 (MANE Select); coding-DNA position 377, G replaced by A.
Protein change: p.Arg126Gln; replaces arginine 126 with glutamine.
Molecular consequence: missense variant. On other transcripts: intron variant (1).
Genome position (GRCh38, 1-based): chr7:157,382,276, G>A. VCF-style: chr7-157382276-G-A. GRCh37 (hg19) VCF-style: chr7-157174970-G-A.
Other names: c.377G>A, p.Arg126Gln (NM_005494.3); c.346+14793G>A (NM_001363676.1); short protein forms R126Q.
Identifiers: ClinVar variation 2989479 (VCV002989479.3), dbSNP rs368565876, ClinGen allele CA169876157.

ClinVar aggregate classification (germline): Uncertain significance (1 of 4 stars; one submission).

Conditions:
Autosomal dominant limb-girdle muscular dystrophy type 1D (DNAJB6) (LGMDD1). Also called: Autosomal dominant limb-girdle muscular dystrophy type 1D; Muscular dystrophy, limb-girdle, autosomal dominant 1; MUSCULAR DYSTROPHY, AUTOSOMAL DOMINANT, WITH RIMMED VACUOLES; MUSCULAR DYSTROPHY, LIMB-GIRDLE, TYPE 1D. Identifiers: Orphanet 34516, MedGen C4721885, MONDO:0021018, OMIM 603511.

Allele frequency attached by ClinVar (database versions not stated): gnomAD exomes below 0.00001; gnomAD 0.00001; TOPMed 0.00001; ESP Exome Variant Server 0.00008.

Submission:

Labcorp Genetics (formerly Invitae), Labcorp
Classification: Uncertain significance for Autosomal dominant limb-girdle muscular dystrophy type 1D (DNAJB6). Last evaluated: 2023-05-12. Review status: criteria provided, single submitter. Criteria: Invitae Variant Classification Sherloc (09022015). Collection method: clinical testing. Allele origin: germline.
Comment: In summary, the available evidence is currently insufficient to determine the role of this variant in disease. Therefore, it has been classified as a Variant of Uncertain Significance. Advanced modeling of protein sequence and biophysical properties (such as structural, functional, and spatial information, amino acid conservation, physicochemical variation, residue mobility, and thermodynamic stability) performed at Invitae indicates that this missense variant is not expected to disrupt DNAJB6 protein function. This variant has not been reported in the literature in individuals affected with DNAJB6-related conditions. The frequency data for this variant in the population databases is considered unreliable, as metrics indicate poor data quality at this position in the gnomAD database. This sequence change replaces arginine, which is basic and polar, with glutamine, which is neutral and polar, at codon 126 of the DNAJB6 protein (p.Arg126Gln).